The following is an entry in ClinVar:

NM_003482.4(KMT2D):c.13384C>G (p.Leu4462Val)

Gene: KMT2D (lysine methyltransferase 2D; minus strand). Cytogenetic location: 12q13.12.
Variant type: single nucleotide variant.
Coding change: c.13384C>G on transcript NM_003482.4 (MANE Select); coding-DNA position 13384, C replaced by G.
Protein change: p.Leu4462Val; replaces leucine 4462 with valine.
Molecular consequence: missense variant.
Genome position (GRCh38, 1-based): chr12:49,031,321, G>C on the plus strand (C>G on the coding strand, the complement: KMT2D is on the minus strand). VCF-style: chr12-49031321-G-C. GRCh37 (hg19) VCF-style: chr12-49425104-G-C.
Other names: short protein forms L4462V.
Identifiers: ClinVar variation 1375722 (VCV001375722.3), dbSNP rs2120418710, ClinGen allele CA384704722.

ClinVar aggregate classification (germline): Uncertain significance (1 of 4 stars; one submission).

Conditions:
Kabuki syndrome. Also called: Kabuki make-up syndrome; NIIKAWA-KUROKI SYNDROME. Identifiers: Orphanet 2322, MedGen C0796004, MONDO:0016512.

Submission:

Labcorp Genetics (formerly Invitae), Labcorp
Classification: Uncertain significance for Kabuki syndrome. Last evaluated: 2021-10-15. Review status: criteria provided, single submitter. Criteria: Invitae Variant Classification Sherloc (09022015). Collection method: clinical testing. Allele origin: germline.
Comment: This sequence change replaces leucine with valine at codon 4462 of the KMT2D protein (p.Leu4462Val). The leucine residue is moderately conserved and there is a small physicochemical difference between leucine and valine. This variant is not present in population databases (ExAC no frequency). This variant has not been reported in the literature in individuals affected with KMT2D-related conditions. Advanced modeling of protein sequence and biophysical properties (such as structural, functional, and spatial information, amino acid conservation, physicochemical variation, residue mobility, and thermodynamic stability) performed at Invitae indicates that this missense variant is not expected to disrupt KMT2D protein function. In summary, the available evidence is currently insufficient to determine the role of this variant in disease. Therefore, it has been classified as a Variant of Uncertain Significance.